The following is an entry in ClinVar:

ClinVar aggregate classification (germline): Likely benign. Review status: criteria provided, multiple submitters, no conflicts (2 of 4 stars). 2 submissions from 2 submitters: Likely benign (2). Last evaluated 2023-09-18.

Conditions:
RYR1-related disorder. Also called: RYR1-related disorders; RYR1-related condition. Identifiers: MedGen CN239331.
Malignant hyperthermia, susceptibility to, 1 (MHS1). Also called: Anesthesia related hyperthermia; Malignant hyperpyrexia; Fulminating hyperpyrexia; Pharmacogenic myopathy; RYR1-Related Malignant Hyperthermia Susceptibility; Malignant hyperthermia suceptibility 1. Identifiers: Orphanet 423, MedGen C2930980, MONDO:0007783, OMIM 145600.

Submissions (2):

Labcorp Genetics (formerly Invitae), Labcorp
Classification: Likely benign for RYR1-related disorder. Last evaluated: 2023-09-18. Review status: criteria provided, single submitter. Criteria: Invitae Variant Classification Sherloc (09022015). Collection method: clinical testing. Allele origin: germline.

All of Us Research Program, National Institutes of Health
Classification: Likely benign for Malignant hyperthermia, susceptibility to, 1. Last evaluated: 2023-06-08. Review status: criteria provided, single submitter. Criteria: ACMG Guidelines, 2015. Collection method: clinical testing. Allele origin: germline. Inheritance: Autosomal dominant inheritance. Observed: 1 variant allele, 1 heterozygote.
Comment: This study involves interpretation of variants in research participants for the purpose of population health screening. Participant phenotype was not available at the time of variant classification. Additional details can be found in publication PMID: 35346344, PMCID: PMC8962531

NM_000540.3(RYR1):c.10344C>A (p.Ser3448=)

Gene: RYR1 (ryanodine receptor 1; plus strand). Cytogenetic location: 19q13.2.
Variant type: single nucleotide variant.
Coding change: c.10344C>A on transcript NM_000540.3 (MANE Select); coding-DNA position 10344, C replaced by A.
Protein change: p.Ser3448=; no amino-acid change (serine 3448 retained).
Molecular consequence: synonymous variant.
Genome position (GRCh38, 1-based): chr19:38,523,112, C>A. VCF-style: chr19-38523112-C-A. GRCh37 (hg19) VCF-style: chr19-39013752-C-A.
Other names: c.10344C>A, p.Ser3448= (NM_001042723.2).
Identifiers: ClinVar variation 2893673 (VCV002893673.4), dbSNP rs754547795, ClinGen allele CA507247597.